The following is an entry in ClinVar:

ClinVar aggregate classification (germline): Likely benign (1 of 4 stars; one submission).

Submission:

CeGaT Center for Human Genetics Tuebingen
Classification: Likely benign. Last evaluated: 2025-10-01. Review status: criteria provided, single submitter. Criteria: CeGaT Center For Human Genetics Tuebingen Variant Classification Criteria Version 2. Collection method: clinical testing. Allele origin: germline. Affected: yes. Observed: 1 variant allele.
Comment: RP11-467N20.5: BP4, BP7

NM_001396956.1(GOLGA6L22):c.1477C>A (p.Arg493=)

Gene: GOLGA6L22 (golgin A6 family like 22; plus strand). Cytogenetic location: 15q11.2.
Variant type: single nucleotide variant.
Coding change: c.1477C>A on transcript NM_001396956.1 (MANE Select); coding-DNA position 1477, C replaced by A.
Protein change: p.Arg493=; no amino-acid change (arginine 493 retained).
Molecular consequence: synonymous variant.
Genome position (GRCh38, 1-based): chr15:22,465,737, C>A. VCF-style: chr15-22465737-C-A. GRCh37 (hg19) VCF-style: chr15-23407359-G-T.
Other names: c.1474C>A, p.Arg492= (NM_001396957.1).
Identifiers: ClinVar variation 4534347 (VCV004534347.6).